The following is an entry in ClinVar:

NM_017654.4(SAMD9):c.3439GAT[1] (p.Asp1148del)

Gene: SAMD9 (sterile alpha motif domain containing 9; minus strand). Cytogenetic location: 7q21.2.
Variant type: Microsatellite.
Coding change: c.3439GAT[1] on transcript NM_017654.4 (MANE Select); one copy of the 3-base unit GAT starting at c.3439; the reference has two copies in a row; one copy, 3 bases deleted.
Protein change: p.Asp1148del; deletes aspartic acid 1148.
Molecular consequence: inframe deletion.
Genome position (GRCh38, 1-based): chr7:93,102,654-93,102,656, ATC deleted on the plus strand (GAT on the coding strand, the reverse complement: SAMD9 is on the minus strand); deleting any 3 consecutive bases within chr7:93,102,654-93,102,660 gives the same sequence; the position shown is the placement nearest the transcript's 3' end. VCF-style (leftmost placement, unchanged base first): chr7-93102653-GATC-G. GRCh37 (hg19) VCF-style: chr7-92731966-GATC-G.
Other names: c.3439GAT[1], p.Asp1148del (NM_001193307.2); short protein forms D1148del.
Identifiers: ClinVar variation 1441694 (VCV001441694.4), dbSNP rs1480999305, ClinGen allele CA576706770.

ClinVar aggregate classification (germline): Uncertain significance (1 of 4 stars; one submission).

Submission:

Labcorp Genetics (formerly Invitae), Labcorp
Classification: Uncertain significance. Last evaluated: 2022-09-13. Review status: criteria provided, single submitter. Criteria: Invitae Variant Classification Sherloc (09022015). Collection method: clinical testing. Allele origin: germline.
Comment: This variant, c.3442_3444del, results in the deletion of 1 amino acid(s) of the SAMD9 protein (p.Asp1148del), but otherwise preserves the integrity of the reading frame. This variant is present in population databases (no rsID available, gnomAD 0.007%). This variant has not been reported in the literature in individuals affected with SAMD9-related conditions. Experimental studies and prediction algorithms are not available or were not evaluated, and the functional significance of this variant is currently unknown. In summary, the available evidence is currently insufficient to determine the role of this variant in disease. Therefore, it has been classified as a Variant of Uncertain Significance.